The following is an entry in ClinVar:

ClinVar aggregate classification (germline): Pathogenic (1 of 4 stars; one submission).

Conditions:
Hereditary cancer-predisposing syndrome. Also called: Neoplastic Syndromes, Hereditary; Tumor predisposition; Hereditary Cancer Syndrome; Hereditary neoplastic syndrome. Identifiers: Orphanet 140162, MedGen C0027672, MeSH D009386, MONDO:0015356.

Submission:

Ambry Genetics
Classification: Pathogenic for Hereditary cancer-predisposing syndrome. Last evaluated: 2025-11-04. Review status: criteria provided, single submitter. Criteria: Ambry Variant Classification Scheme 2023. Collection method: clinical testing. Allele origin: germline.
Comment: The c.745_746dupAA pathogenic mutation, located in coding exon 5 of the CHEK2 gene, results from a duplication of AA at nucleotide position 745, causing a translational frameshift with a predicted alternate stop codon (p.I250Rfs*26). This variant is considered to be rare based on population cohorts in the Genome Aggregation Database (gnomAD). This alteration is expected to result in loss of function by premature protein truncation or nonsense-mediated mRNA decay. As such, this alteration is interpreted as a disease-causing mutation.

NM_007194.4(CHEK2):c.745_746dup (p.Ile250fs)

Gene: CHEK2 (checkpoint kinase 2; minus strand). Cytogenetic location: 22q12.1.
Variant type: Duplication.
Coding change: c.745_746dup on transcript NM_007194.4 (MANE Select); coding-DNA positions 745 to 746, 2 bases duplicated (AA; older notation c.745_746dupAA).
Protein change: p.Ile250fs; shifts the reading frame from isoleucine 250.
Molecular consequence: frameshift variant.
Genome position (GRCh38, 1-based): chr22:28,711,955-28,711,956, TT duplicated on the plus strand (AA on the coding strand, the reverse complement: CHEK2 is on the minus strand); duplicating any 2 consecutive bases within chr22:28,711,955-28,711,957 gives the same sequence; the c. name uses the placement nearest the transcript's 3' end. VCF-style (leftmost placement, unchanged base first): chr22-28711954-C-CTT. GRCh37 (hg19) VCF-style: chr22-29107942-C-CTT.
Other names: c.874_875dup, p.Ile293fs (NM_001005735.3, NM_001438294.1); c.82_83dup, p.Ile29fs (NM_001257387.3, NM_001437942.1); c.544_545dup, p.Ile183fs (NM_001349956.3); c.838_839dup, p.Ile281fs (NM_001438293.1, NM_001438295.1); c.745_746dup, p.Ile250fs (NM_145862.3); short protein forms I183fs, I281fs, I293fs, I250fs, I29fs.
Identifiers: ClinVar variation 4634896 (VCV004634896.1).